The following is an entry in ClinVar:

ClinVar aggregate classification (germline): Likely benign (1 of 4 stars; one submission).

Allele frequency attached by ClinVar (database versions not stated): 1000 Genomes Project 0.00599; 1000 Genomes Project 30x 0.00671; TOPMed 0.00883; gnomAD 0.00920 and 0.00944.
gnomAD v4.1: 1,390 of 152,110 alleles (0.91%); highest among the groups gnomAD compares: Non-Finnish European, 1.3%; 12 homozygotes.

Submission:

GeneDx
Classification: Likely benign. Last evaluated: 2018-06-14. Review status: criteria provided, single submitter. Criteria: GeneDx Variant Classification (06012015). Collection method: clinical testing. Allele origin: germline. Affected: yes.
Comment: This variant is considered likely benign or benign based on one or more of the following criteria: it is a conservative change, it occurs at a poorly conserved position in the protein, it is predicted to be benign by multiple in silico algorithms, and/or has population frequency not consistent with disease.

NM_000231.3(SGCG):c.702+331C>T

Gene: SGCG (sarcoglycan gamma; plus strand). Cytogenetic location: 13q12.12.
Variant type: single nucleotide variant.
Coding change: c.702+331C>T on transcript NM_000231.3 (MANE Select); 331 bases into the intron after coding-DNA position 702, C replaced by T.
Molecular consequence: intron variant.
Genome position (GRCh38, 1-based): chr13:23,321,091, C>T. VCF-style: chr13-23321091-C-T. GRCh37 (hg19) VCF-style: chr13-23895230-C-T.
Other names: c.756+331C>T (NM_001378244.1); c.702+331C>T (NM_001378245.1, NM_001378246.1).
Identifiers: ClinVar variation 672635 (VCV000672635.1), dbSNP rs117038274, ClinGen allele CA13902262.
Genomic context (GRCh38, chr13:23,321,091, plus strand): 5'-TCGGAAAAAAAAAACACTACAGACGTTCACAGTTTACAGAGAATGTCCATTTTGCCATTT[C>T]CTAGGGATGGCTGTCACTAGGAGTCACCCACTAACAACCACTGTCACCTTTCACTGCCCA-3'